The following is an entry in ClinVar:

NM_001005361.3(DNM2):c.2233T>A (p.Ser745Thr)

Gene: DNM2 (dynamin 2; plus strand). Cytogenetic location: 19p13.2.
Variant type: single nucleotide variant.
Coding change: c.2233T>A on transcript NM_001005361.3 (MANE Select); coding-DNA position 2233, T replaced by A.
Protein change: p.Ser745Thr; replaces serine 745 with threonine.
Molecular consequence: missense variant.
Genome position (GRCh38, 1-based): chr19:10,829,210, T>A. VCF-style: chr19-10829210-T-A. GRCh37 (hg19) VCF-style: chr19-10939886-T-A.
Other names: c.2233T>A, p.Ser745Thr (NM_001005360.3, NM_001190716.2); c.2221T>A, p.Ser741Thr (NM_001005362.3, NM_004945.4); short protein forms S745T, S741T.
Identifiers: ClinVar variation 579218 (VCV000579218.8), dbSNP rs1568324267, ClinGen allele CA404043135.

ClinVar aggregate classification (germline): Uncertain significance (1 of 4 stars; one submission).

Conditions:
Charcot-Marie-Tooth disease dominant intermediate B (CMTDIB). Also called: Charcot-Marie-Tooth disease dominant intermediate 1; CMT DI1; Charcot-Marie-Tooth disease dominant intermediate I; CHARCOT-MARIE-TOOTH NEUROPATHY, DOMINANT INTERMEDIATE B. Identifiers: Orphanet 100044, Orphanet 228179, MedGen C1847902, MONDO:0011674, OMIM 606482.

Allele frequency attached by ClinVar (database versions not stated): gnomAD exomes below 0.00001.

Submission:

Labcorp Genetics (formerly Invitae), Labcorp
Classification: Uncertain significance for Charcot-Marie-Tooth disease dominant intermediate B. Last evaluated: 2023-03-01. Review status: criteria provided, single submitter. Criteria: Invitae Variant Classification Sherloc (09022015). Collection method: clinical testing. Allele origin: germline.
Comment: ClinVar contains an entry for this variant (Variation ID: 579218). This variant has not been reported in the literature in individuals affected with DNM2-related conditions. This variant is not present in population databases (gnomAD no frequency). This sequence change replaces serine, which is neutral and polar, with threonine, which is neutral and polar, at codon 745 of the DNM2 protein (p.Ser745Thr). Advanced modeling of protein sequence and biophysical properties (such as structural, functional, and spatial information, amino acid conservation, physicochemical variation, residue mobility, and thermodynamic stability) has been performed at Invitae for this missense variant, however the output from this modeling did not meet the statistical confidence thresholds required to predict the impact of this variant on DNM2 protein function. In summary, the available evidence is currently insufficient to determine the role of this variant in disease. Therefore, it has been classified as a Variant of Uncertain Significance.